The following is an entry in ClinVar:

NM_145059.3(FCSK):c.664-3C>G

Gene: FCSK (fucose kinase; plus strand). Cytogenetic location: 16q22.1.
Variant type: single nucleotide variant.
Coding change: c.664-3C>G on transcript NM_145059.3 (MANE Select); 3 bases into the intron before coding-DNA position 664, C replaced by G.
Molecular consequence: intron variant.
Genome position (GRCh38, 1-based): chr16:70,468,846, C>G. VCF-style: chr16-70468846-C-G. GRCh37 (hg19) VCF-style: chr16-70502749-C-G.
Identifiers: ClinVar variation 3684658 (VCV003684658.2).

ClinVar aggregate classification (germline): Uncertain significance (1 of 4 stars; one submission).

Submission:

Labcorp Genetics (formerly Invitae), Labcorp
Classification: Uncertain significance. Last evaluated: 2024-04-22. Review status: criteria provided, single submitter. Criteria: Invitae Variant Classification Sherloc (09022015). Collection method: clinical testing. Allele origin: germline.
Comment: This sequence change falls in intron 8 of the FUK gene. It does not directly change the encoded amino acid sequence of the FUK protein. It affects a nucleotide within the consensus splice site. This variant is not present in population databases (gnomAD no frequency). This variant has not been reported in the literature in individuals affected with FUK-related conditions. Variants that disrupt the consensus splice site are a relatively common cause of aberrant splicing (PMID: 17576681, 9536098). Algorithms developed to predict the effect of sequence changes on RNA splicing suggest that this variant may disrupt the consensus splice site. In summary, the available evidence is currently insufficient to determine the role of this variant in disease. Therefore, it has been classified as a Variant of Uncertain Significance.

Literature cited by the submitters: PubMed 17576681; PubMed 9536098.